The following is an entry in ClinVar:

NM_005359.6(SMAD4):c.249+6T>A

Gene: SMAD4 (SMAD family member 4; plus strand). Cytogenetic location: 18q21.2.
Variant type: single nucleotide variant.
Coding change: c.249+6T>A on transcript NM_005359.6 (MANE Select); 6 bases into the intron after coding-DNA position 249, T replaced by A.
Molecular consequence: intron variant.
Genome position (GRCh38, 1-based): chr18:51,047,301, T>A. VCF-style: chr18-51047301-T-A. GRCh37 (hg19) VCF-style: chr18-48573671-T-A.
Identifiers: ClinVar variation 665947 (VCV000665947.10), dbSNP rs1599181264, ClinGen allele CA915951524.
Genomic context (GRCh38, chr18:51,047,301, plus strand): 5'-AGCTCATCCTAGTAAATGTGTTACCATACAGAGAACATTGGATGGGAGGCTTCAGGTTAG[T>A]CTTATAAGAGTTTTTCTATACCCTCTATGGTGGCAGATTTAAAAACTTGCTACGTTTCCT-3'

ClinVar aggregate classification (germline): Uncertain significance. Review status: criteria provided, multiple submitters, no conflicts (2 of 4 stars). 2 submissions from 2 submitters: Uncertain significance (2). Last evaluated 2024-10-18.

Conditions:
Juvenile polyposis syndrome (JPS). Identifiers: Orphanet 2929, MedGen C0345893, MONDO:0017380, OMIM 174900.

Submissions (2):

Dasa
Classification: Uncertain significance. Last evaluated: 2024-10-18. Review status: criteria provided, single submitter. Criteria: DASA Assertion Criteria. Collection method: clinical testing. Allele origin: germline.
Comment: NM_005359.6(SMAD4):c.249+6T>A is a splice-region variant. This variant is absent from population databases. Computational prediction algorithms are consistent with a benign effect. The currently available literature and clinical evidence are not sufficient to establish a definitive association between this variant and the reported condition. Therefore, this variant is classified as a variant of uncertain significance.

Labcorp Genetics (formerly Invitae), Labcorp
Classification: Uncertain significance for Juvenile polyposis syndrome. Last evaluated: 2022-07-29. Review status: criteria provided, single submitter. Criteria: Invitae Variant Classification Sherloc (09022015). Collection method: clinical testing. Allele origin: germline.
Comment: This variant has not been reported in the literature in individuals affected with SMAD4-related conditions. In summary, the available evidence is currently insufficient to determine the role of this variant in disease. Therefore, it has been classified as a Variant of Uncertain Significance. Variants that disrupt the consensus splice site are a relatively common cause of aberrant splicing (PMID: 17576681, 9536098). Algorithms developed to predict the effect of sequence changes on RNA splicing suggest that this variant is not likely to affect RNA splicing. ClinVar contains an entry for this variant (Variation ID: 665947). This variant is not present in population databases (gnomAD no frequency). This sequence change falls in intron 2 of the SMAD4 gene. It does not directly change the encoded amino acid sequence of the SMAD4 protein. It affects a nucleotide within the consensus splice site.

Literature cited by the submitters: PubMed 17576681 (cited by Labcorp Genetics (formerly Invitae), Labcorp); PubMed 9536098 (cited by Labcorp Genetics (formerly Invitae), Labcorp).